The following is an entry in ClinVar:

ClinVar aggregate classification (germline): Uncertain significance (1 of 4 stars; one submission).

Conditions:
Intellectual developmental disorder, autosomal dominant 6, with or without seizures. Also called: Intellectual disability, autosomal dominant 6; GRIN2B-related developmental delay, intellectual disability and autism spectrum disorder. Identifiers: Orphanet 589547, MedGen C3151411, MONDO:0013509, OMIM 613970.
Developmental and epileptic encephalopathy, 27 (DEE27). Also called: GRIN2B-Related Neurodevelopmental Disorder; Epileptic encephalopathy, early infantile, 27. Identifiers: Orphanet 3451, MedGen C4015316, MONDO:0014505, OMIM 616139.

Submission:

Labcorp Genetics (formerly Invitae), Labcorp
Classification: Uncertain significance for Developmental and epileptic encephalopathy, 27; Mental retardation, autosomal dominant 6. Last evaluated: 2019-12-23. Review status: criteria provided, single submitter. Criteria: Invitae Variant Classification Sherloc (09022015). Collection method: clinical testing. Allele origin: germline.
Comment: This variant results in a copy number gain of the genomic region encompassing the full coding sequence of the GRIN2B gene. The boundaries of this event are unknown as they extend beyond the assayed region for this gene and therefore may encompass additional genes. As the precise location of this event is unknown, it may be in tandem or it may be located elsewhere in the genome. This variant has not been reported in the literature in individuals with GRIN2B-related conditions. In summary, the available evidence is currently insufficient to determine the role of this variant in disease. Therefore, it has been classified as a Variant of Uncertain Significance.

NC_000012.12:g.(?_12717002)_(13982130_?)dup

Genes: APOLD1 (apolipoprotein L domain containing 1; plus strand), CDKN1B (cyclin dependent kinase inhibitor 1B; plus strand), DDX47 (DEAD-box helicase 47; plus strand), EMP1 (epithelial membrane protein 1; plus strand), FAM234B (family with sequence similarity 234 member B; plus strand) and 5 more. Cytogenetic location: 12p13.1.
Variant type: Duplication.
Identifiers: ClinVar variation 831573 (VCV000831573.2).